The following is an entry in ClinVar:

NM_021072.4(HCN1):c.2489G>A (p.Gly830Glu)

Gene: HCN1 (hyperpolarization activated cyclic nucleotide gated potassium channel 1; minus strand). Cytogenetic location: 5p12.
Variant type: single nucleotide variant.
Coding change: c.2489G>A on transcript NM_021072.4 (MANE Select); coding-DNA position 2489, G replaced by A.
Protein change: p.Gly830Glu; replaces glycine 830 with glutamic acid.
Molecular consequence: missense variant.
Genome position (GRCh38, 1-based): chr5:45,262,105, C>T on the plus strand (G>A on the coding strand, the complement: HCN1 is on the minus strand). VCF-style: chr5-45262105-C-T. GRCh37 (hg19) VCF-style: chr5-45262207-C-T.
Other names: short protein forms G830E.
Identifiers: ClinVar variation 2633984 (VCV002633984.2), dbSNP rs2111838550, ClinGen allele CA359703239.
Genomic context (GRCh38, chr5:45,262,105, plus strand): 5'-ATGGCTCCCGACGACATCTGTCGGAAGAGGGTGACGCGCTGCGGGACAGTGCTCCTGCCC[C>T]CTGCCTGAAGGCCCGTTCCGGGGACCGCCGTCACGGGTTGAGGGATGGAGGCCAGGGACT-3'
Protein context (NP_066550.2, residues 820-840): TAVPGTGLQA[Gly830Glu]GRSTVPQRVT

ClinVar aggregate classification (germline): Uncertain significance (0 of 4 stars; one submission).

Conditions:
HCN1-related disorder. Also called: HCN1-related condition; HCN1-related disorders.

Allele frequency attached by ClinVar (database versions not stated): gnomAD exomes below 0.00001.
gnomAD v4.1: 1 of 1,612,696 alleles (0.000062%); highest among the groups gnomAD compares: Admixed American, 0.0017%; no homozygotes.

Submission:

PreventionGenetics, part of Exact Sciences
Classification: Uncertain significance for HCN1-related condition. Last evaluated: 2024-03-26. Review status: no assertion criteria provided. Collection method: clinical testing. Allele origin: germline.
Comment: The HCN1 c.2489G>A variant is predicted to result in the amino acid substitution p.Gly830Glu. To our knowledge, this variant has not been reported in the literature or in a large population database, indicating this variant is rare. At this time, the clinical significance of this variant is uncertain due to the absence of conclusive functional and genetic evidence.